The following is an entry in ClinVar:

ClinVar aggregate classification (germline): Likely benign. Review status: criteria provided, multiple submitters, no conflicts (2 of 4 stars). 2 submissions from 2 submitters: Likely benign (2). Last evaluated 2018-01-13.

Conditions:
Xeroderma pigmentosum variant type. Also called: POLH-Related Xeroderma Pigmentosum; PHOTOSENSITIVITY WITH DEFECTIVE DNA SYNTHESIS; XERODERMA PIGMENTOSUM WITH NORMAL DNA REPAIR RATES. Identifiers: Orphanet 90342, MedGen C1848410, MONDO:0010214, OMIM 278750.

Allele frequency attached by ClinVar (database versions not stated): 1000 Genomes Project 30x 0.00437; 1000 Genomes Project 0.00499; gnomAD 0.01273 and 0.01316; TOPMed 0.01276.

Submissions (2):

Illumina Laboratory Services, Illumina
Classification: Likely benign for Xeroderma pigmentosum variant type. Last evaluated: 2018-01-13. Review status: criteria provided, single submitter. Criteria: ICSL Variant Classification Criteria 13 December 2019. Collection method: clinical testing. Allele origin: germline.
Comment: This variant was observed in the ICSL laboratory as part of a predisposition screen in an ostensibly healthy population. It had not been previously curated by ICSL or reported in the Human Gene Mutation Database (HGMD: prior to June 1st, 2018), and was therefore a candidate for classification through an automated scoring system. Utilizing variant allele frequency, disease prevalence and penetrance estimates, and inheritance mode, an automated score was calculated to assess if this variant is too frequent to cause the disease. Based on the score and internal cut-off values, a variant classified as likely benign is not then subjected to further curation. The score for this variant resulted in a classification of likely benign for this disease.

Breakthrough Genomics
Classification: Likely benign. Review status: criteria provided, single submitter. Criteria: ACMG Guidelines, 2015. Collection method: not provided. Allele origin: germline. Inheritance: Autosomal recessive inheritance. Affected: yes.

NM_006502.3(POLH):c.*1156G>A

Gene: POLH (DNA polymerase eta; plus strand). Cytogenetic location: 6p21.1.
Variant type: single nucleotide variant.
Coding change: c.*1156G>A on transcript NM_006502.3 (MANE Select); 1156 bases downstream of the stop codon, G replaced by A.
Molecular consequence: 3 prime UTR variant.
Genome position (GRCh38, 1-based): chr6:43,615,713, G>A. VCF-style: chr6-43615713-G-A. GRCh37 (hg19) VCF-style: chr6-43583450-G-A.
Other names: c.*1156G>A (NM_001291969.2); c.*1982G>A (NM_001291970.2).
Identifiers: ClinVar variation 908892 (VCV000908892.5), dbSNP rs9333560, ClinGen allele CA138307399.